The following is an entry in ClinVar:

ClinVar aggregate classification (germline): Uncertain significance (1 of 4 stars; one submission).

gnomAD v4.1: 4 of 1,614,026 alleles (0.00025%); highest among the groups gnomAD compares: African/African-American, 0.0053%; no homozygotes.

Submission:

Labcorp Genetics (formerly Invitae), Labcorp
Classification: Uncertain significance. Last evaluated: 2025-09-24. Review status: criteria provided, single submitter. Criteria: Invitae Variant Classification Sherloc (09022015). Collection method: clinical testing. Allele origin: germline.
Comment: This sequence change replaces serine, which is neutral and polar, with tryptophan, which is neutral and slightly polar, at codon 160 of the ATP6V1A protein (p.Ser160Trp). This variant is present in population databases (rs760446373, gnomAD 0.007%). This variant has not been reported in the literature in individuals affected with ATP6V1A-related conditions. Invitae Evidence Modeling of protein sequence and biophysical properties (such as structural, functional, and spatial information, amino acid conservation, physicochemical variation, residue mobility, and thermodynamic stability) indicates that this missense variant is not expected to disrupt ATP6V1A protein function with a negative predictive value of 80%. In summary, the available evidence is currently insufficient to determine the role of this variant in disease. Therefore, it has been classified as a Variant of Uncertain Significance.

NM_001690.4(ATP6V1A):c.479C>G (p.Ser160Trp)

Gene: ATP6V1A (ATPase H+ transporting V1 subunit A; plus strand). Cytogenetic location: 3q13.31.
Variant type: single nucleotide variant.
Coding change: c.479C>G on transcript NM_001690.4 (MANE Select); coding-DNA position 479, C replaced by G.
Protein change: p.Ser160Trp; replaces serine 160 with tryptophan.
Molecular consequence: missense variant.
Genome position (GRCh38, 1-based): chr3:113,784,748, C>G. VCF-style: chr3-113784748-C-G. GRCh37 (hg19) VCF-style: chr3-113503595-C-G.
Other names: short protein forms S160W.
Identifiers: ClinVar variation 4797300 (VCV004797300.1).